The following is an entry in ClinVar:

ClinVar aggregate classification (germline): Uncertain significance. Review status: criteria provided, multiple submitters, no conflicts (2 of 4 stars). 3 submissions from 3 submitters: Uncertain significance (3). Last evaluated 2023-12-22.

Conditions:
Intellectual developmental disorder, autosomal dominant 43. Also called: Intellectual disability, autosomal dominant 43. Identifiers: MedGen C4707429, MONDO:0014858, OMIM 616977.
Inborn genetic diseases. Identifiers: MedGen C0950123, MeSH D030342.

Allele frequency attached by ClinVar (database versions not stated): gnomAD exomes below 0.00001; TOPMed below 0.00001.
gnomAD v4.1: 1 of 1,614,224 alleles (0.000062%); highest among the groups gnomAD compares: African/African-American, 0.0013%; no homozygotes.

Submissions (3):

Labcorp Genetics (formerly Invitae), Labcorp
Classification: Uncertain significance. Last evaluated: 2023-12-22. Review status: criteria provided, single submitter. Criteria: Invitae Variant Classification Sherloc (09022015). Collection method: clinical testing. Allele origin: germline.
Comment: This sequence change replaces serine, which is neutral and polar, with asparagine, which is neutral and polar, at codon 809 of the HIVEP2 protein (p.Ser809Asn). This variant is not present in population databases (gnomAD no frequency). This variant has not been reported in the literature in individuals affected with HIVEP2-related conditions. ClinVar contains an entry for this variant (Variation ID: 2292334). An algorithm developed to predict the effect of missense changes on protein structure and function (PolyPhen-2) suggests that this variant is likely to be disruptive. In summary, the available evidence is currently insufficient to determine the role of this variant in disease. Therefore, it has been classified as a Variant of Uncertain Significance.

Revvity Omics, Revvity
Classification: Uncertain significance for Intellectual developmental disorder, autosomal dominant 43. Last evaluated: 2023-11-03. Review status: criteria provided, single submitter. Criteria: ACMG Guidelines, 2015. Collection method: clinical testing. Allele origin: germline.

Ambry Genetics
Classification: Uncertain significance for Inborn genetic diseases. Last evaluated: 2022-05-27. Review status: criteria provided, single submitter. Criteria: Ambry Variant Classification Scheme 2023. Collection method: clinical testing. Allele origin: germline.

NM_006734.4(HIVEP2):c.2426G>A (p.Ser809Asn)

Gene: HIVEP2 (HIVEP zinc finger 2; minus strand). Cytogenetic location: 6q24.2.
Variant type: single nucleotide variant.
Coding change: c.2426G>A on transcript NM_006734.4 (MANE Select); coding-DNA position 2426, G replaced by A.
Protein change: p.Ser809Asn; replaces serine 809 with asparagine.
Molecular consequence: missense variant.
Genome position (GRCh38, 1-based): chr6:142,772,313, C>T on the plus strand (G>A on the coding strand, the complement: HIVEP2 is on the minus strand). VCF-style: chr6-142772313-C-T. GRCh37 (hg19) VCF-style: chr6-143093450-C-T.
Other names: short protein forms S809N.
Identifiers: ClinVar variation 2292334 (VCV002292334.6), dbSNP rs1001984856, ClinGen allele CA149018645.
Genomic context (GRCh38, chr6:142,772,313, plus strand): 5'-TTATCCTGTGTGCAAGCCACAAGTTCGGCTGACTCAGACCTTTCAAATGAATTGGGTCGG[C>T]TCAGTGAGTTGGTGTGCTGAATCACAGAAATCACATTTCCAGGAGGTTTCCTGCCCCCTA-3'
Protein context (NP_006725.3, residues 799-819): ISVIQHTNSL[Ser809Asn]RPNSFERSES